The following is an entry in ClinVar:

ClinVar aggregate classification (germline): Likely pathogenic (1 of 4 stars; one submission).

Conditions:
Generalized epilepsy-paroxysmal dyskinesia syndrome (PNKD3). Also called: Paroxysmal nonkinesigenic dyskinesia, 3, with or without generalized epilepsy; Generalized epilepsy and paroxysmal dyskinesia. Identifiers: Orphanet 79137, MedGen C5574945, MONDO:0012276, OMIM 609446.

Submission:

Labcorp Genetics (formerly Invitae), Labcorp
Classification: Likely pathogenic for Generalized epilepsy-paroxysmal dyskinesia syndrome. Last evaluated: 2021-12-23. Review status: criteria provided, single submitter. Criteria: Invitae Variant Classification Sherloc (09022015). Collection method: clinical testing. Allele origin: germline.
Comment: In summary, the currently available evidence indicates that the variant is pathogenic, but additional data are needed to prove that conclusively. Therefore, this variant has been classified as Likely Pathogenic. This variant has not been reported in the literature in individuals affected with KCNMA1-related conditions. This variant results in a copy number gain of the genomic region encompassing exon(s) 4-5 of the KCNMA1 gene. While the exact position of this variant cannot be determined from the data, sub-genic copy number gains are generally in tandem (PMID: 25640679). This variant is predicted to be out-of-frame, and may result in an absent or disrupted protein product. Loss-of-function variants in KCNMA1 are known to be pathogenic (PMID: 27567911, 29545233).

Literature cited by the submitters: PubMed 25640679; PubMed 27567911; PubMed 29545233.

NC_000010.10:g.(?_78943159)_(78944694_?)dup

Gene: KCNMA1 (potassium calcium-activated channel subfamily M alpha 1; minus strand). Cytogenetic location: 10q22.3.
Variant type: Duplication.
Identifiers: ClinVar variation 2424381 (VCV002424381.6).